The following is an entry in ClinVar:

ClinVar aggregate classification (germline): Likely pathogenic (1 of 4 stars; one submission).

Conditions:
Autosomal dominant nonsyndromic hearing loss 6 (LFSNHL). Also called: DEAFNESS, AUTOSOMAL DOMINANT 6; DEAFNESS, AUTOSOMAL DOMINANT 14; DEAFNESS, AUTOSOMAL DOMINANT 38; Autosomal dominant nonsyndromic deafness 6. Identifiers: Orphanet 90635, MedGen C1833021, MONDO:0010963, OMIM 600965.
Wolfram-like syndrome. Also called: HEARING LOSS, PROGRESSIVE, WITH OPTIC ATROPHY AND/OR IMPAIRED GLUCOSE REGULATION. Identifiers: Orphanet 411590, MedGen C3280358, MONDO:0013673, OMIM 614296.
Wolfram syndrome 1 (WFS1). Identifiers: Orphanet 3463, MedGen C4551693, MONDO:0009101, OMIM 222300.
Type 2 diabetes mellitus. Also called: Type II diabetes mellitus. Identifiers: MedGen C0011860, MeSH D003924, MONDO:0005148, OMIM 125853, HP:0005978.
Cataract 41 (CTRCT41). Also called: CATARACT 41, CONGENITAL NUCLEAR TYPE. Identifiers: Orphanet 91492, Orphanet 98991, Orphanet 98992, Orphanet 98995, MedGen C3805412, MONDO:0007287, OMIM 116400.

Submission:

Juno Genomics, Hangzhou Juno Genomics, Inc
Classification: Likely pathogenic for Cataract 41; Type 2 diabetes mellitus; Autosomal dominant nonsyndromic hearing loss 6; Wolfram syndrome 1; Wolfram-like syndrome. Review status: criteria provided, single submitter. Criteria: ACMG Guidelines, 2015. Collection method: clinical testing. Allele origin: germline. Affected: yes.
Comment: Absent from controls (or at extremely low frequency if recessive) in Genome Aggregation Database, Exome Sequencing Project, 1000 Genomes Project, or Exome Aggregation Consortium.;Null variant in a gene where loss of function (LOF) is a known mechanism of disease.;Patient's phenotype or family history is highly specific for a disease with a single genetic etiology.

NM_006005.3(WFS1):c.2070_2079del (p.Cys690fs)

Gene: WFS1 (wolframin ER transmembrane glycoprotein; plus strand). Cytogenetic location: 4p16.1.
Variant type: Deletion.
Coding change: c.2070_2079del on transcript NM_006005.3 (MANE Select); coding-DNA positions 2070 to 2079, 10 bases deleted (CAGCCACCTG; older notation c.2070_2079delCAGCCACCTG).
Protein change: p.Cys690fs; shifts the reading frame from cysteine 690.
Molecular consequence: frameshift variant.
Genome position (GRCh38, 1-based): chr4:6,301,865-6,301,874, CAGCCACCTG deleted; deleting any 10 consecutive bases within chr4:6,301,862-6,301,874 gives the same sequence; the c. name uses the placement nearest the transcript's 3' end. VCF-style (leftmost placement, unchanged base first): chr4-6301861-TCTGCAGCCAC-T. GRCh37 (hg19) VCF-style: chr4-6303588-TCTGCAGCCAC-T.
Other names: c.2070_2079del, p.Cys690fs (NM_001145853.1); short protein forms C690fs.
Identifiers: ClinVar variation 3382081 (VCV003382081.2).